The following is an entry in ClinVar:

ClinVar aggregate classification (germline): Conflicting classifications of pathogenicity. Review status: criteria provided, conflicting classifications (1 of 4 stars). 3 submissions from 3 submitters: Uncertain significance (2); Likely benign (1). Last evaluated 2025-09-24.

Conditions:
POLD1-related polyposis and colorectal cancer syndrome (CRCS10). Also called: Colorectal cancer 10; COLORECTAL CANCER, SUSCEPTIBILITY TO, ON CHROMOSOME 19q; Colorectal cancer, susceptibility to, 10. Identifiers: Orphanet 220460, MedGen C2675481, MONDO:0012953, OMIM 612591.
Hereditary cancer-predisposing syndrome. Also called: Tumor predisposition; Hereditary Cancer Syndrome; Hereditary neoplastic syndrome; Neoplastic Syndromes, Hereditary. Identifiers: Orphanet 140162, MedGen C0027672, MeSH D009386, MONDO:0015356.

Allele frequency attached by ClinVar (database versions not stated): gnomAD exomes 0.00003; ExAC 0.00006.
gnomAD v4.1: 11 of 1,577,094 alleles (0.0007%); highest among the groups gnomAD compares: South Asian, 0.0092%; no homozygotes.

Submissions (3):

Labcorp Genetics (formerly Invitae), Labcorp
Classification: Uncertain significance for POLD1-related polyposis and colorectal cancer syndrome. Last evaluated: 2025-09-24. Review status: criteria provided, single submitter. Criteria: Invitae Variant Classification Sherloc (09022015). Collection method: clinical testing. Allele origin: germline.
Comment: This sequence change replaces alanine, which is neutral and non-polar, with valine, which is neutral and non-polar, at codon 288 of the POLD1 protein (p.Ala288Val). This variant is present in population databases (rs755550936, gnomAD 0.02%). This variant has not been reported in the literature in individuals affected with POLD1-related conditions. ClinVar contains an entry for this variant (Variation ID: 1023429). Invitae Evidence Modeling of protein sequence and biophysical properties (such as structural, functional, and spatial information, amino acid conservation, physicochemical variation, residue mobility, and thermodynamic stability) indicates that this missense variant is not expected to disrupt POLD1 protein function with a negative predictive value of 80%. In summary, the available evidence is currently insufficient to determine the role of this variant in disease. Therefore, it has been classified as a Variant of Uncertain Significance.

Ambry Genetics
Classification: Likely benign for Hereditary cancer-predisposing syndrome. Last evaluated: 2024-10-17. Review status: criteria provided, single submitter. Criteria: Ambry Variant Classification Scheme 2023. Collection method: clinical testing. Allele origin: germline.

GeneDx
Classification: Uncertain significance. Last evaluated: 2023-02-06. Review status: criteria provided, single submitter. Criteria: GeneDx Variant Classification Process June 2021. Collection method: clinical testing. Allele origin: germline. Affected: yes.
Comment: Not observed at significant frequency in large population cohorts (gnomAD); In silico analysis supports that this missense variant does not alter protein structure/function; Has not been previously published as pathogenic or benign to our knowledge

NM_002691.4(POLD1):c.863C>T (p.Ala288Val)

Gene: POLD1 (DNA polymerase delta 1, catalytic subunit; plus strand). Cytogenetic location: 19q13.33.
Variant type: single nucleotide variant.
Coding change: c.863C>T on transcript NM_002691.4 (MANE Select); coding-DNA position 863, C replaced by T.
Protein change: p.Ala288Val; replaces alanine 288 with valine.
Molecular consequence: missense variant. On other transcripts: non-coding transcript variant (1).
Genome position (GRCh38, 1-based): chr19:50,402,634, C>T. VCF-style: chr19-50402634-C-T. GRCh37 (hg19) VCF-style: chr19-50905891-C-T.
Other names: c.863C>T, p.Ala288Val (NM_001256849.1, NM_001308632.1); c.863C>T (NM_002691.2, NM_002691.3); short protein forms A288V.
Identifiers: ClinVar variation 1023429 (VCV001023429.9), dbSNP rs755550936, ClinGen allele CA9595936.